The following is an entry in ClinVar:

NM_001184.4(ATR):c.3179C>T (p.Thr1060Ile)

Gene: ATR (ATR checkpoint kinase; minus strand). Cytogenetic location: 3q23.
Variant type: single nucleotide variant.
Coding change: c.3179C>T on transcript NM_001184.4 (MANE Select); coding-DNA position 3179, C replaced by T.
Protein change: p.Thr1060Ile; replaces threonine 1060 with isoleucine.
Molecular consequence: missense variant.
Genome position (GRCh38, 1-based): chr3:142,547,903, G>A on the plus strand (C>T on the coding strand, the complement: ATR is on the minus strand). VCF-style: chr3-142547903-G-A. GRCh37 (hg19) VCF-style: chr3-142266745-G-A.
Other names: c.2987C>T, p.Thr996Ile (NM_001354579.2); short protein forms T1060I, T996I.
Identifiers: ClinVar variation 4725910 (VCV004725910.1).
Genomic context (GRCh38, chr3:142,547,903, plus strand): 5'-AATAATTCATTATGCAATCCTTGGAAATCTTGTCTCAACAGGCTCCCCAGTTCAATTTCT[G>A]TTTCATTCTAACCCAAAGACATGTTAAAAAAAATTTTTTTCTTCATACTAATATCCTGGA-3'
Protein context (NP_001175.2, residues 1050-1070): ERALHYLKNE[Thr1060Ile]EIELGSLLRQ

ClinVar aggregate classification (germline): Uncertain significance (1 of 4 stars; one submission).

Submission:

Labcorp Genetics (formerly Invitae), Labcorp
Classification: Uncertain significance. Last evaluated: 2025-09-06. Review status: criteria provided, single submitter. Criteria: Invitae Variant Classification Sherloc (09022015). Collection method: clinical testing. Allele origin: germline.
Comment: This sequence change replaces threonine, which is neutral and polar, with isoleucine, which is neutral and non-polar, at codon 1060 of the ATR protein (p.Thr1060Ile). This variant is not present in population databases (gnomAD no frequency). This variant has not been reported in the literature in individuals affected with ATR-related conditions. An algorithm developed to predict the effect of missense changes on protein structure and function (PolyPhen-2) suggests that this variant is likely to be disruptive. Algorithms developed to predict the effect of sequence changes on RNA splicing suggest that this variant may disrupt the consensus splice site. In summary, the available evidence is currently insufficient to determine the role of this variant in disease. Therefore, it has been classified as a Variant of Uncertain Significance.